The following is an entry in ClinVar:

ClinVar aggregate classification (germline): Uncertain significance. Review status: criteria provided, single submitter (1 of 4 stars). 2 submissions from 2 submitters: Uncertain significance (1). 1 of the submissions does not count toward it. Last evaluated 2024-10-07.

Conditions:
Deficiency of hyaluronoglucosaminidase (MPS9). Also called: HYALURONIDASE DEFICIENCY; Mucopolysaccharidosis type 9; MPS IX. Identifiers: Orphanet 67041, MedGen C1291490, MONDO:0011093, OMIM 601492.

Allele frequency attached by ClinVar (database versions not stated): gnomAD exomes below 0.00001 and 0.00001; ExAC 0.00001; gnomAD 0.00001; TOPMed 0.00002.
gnomAD v4.1: 12 of 1,613,878 alleles (0.00074%); highest among the groups gnomAD compares: Middle Eastern, 0.016%; no homozygotes.

Submissions (2):

Labcorp Genetics (formerly Invitae), Labcorp
Classification: Uncertain significance for Deficiency of hyaluronoglucosaminidase. Last evaluated: 2024-10-07. Review status: criteria provided, single submitter. Criteria: Invitae Variant Classification Sherloc (09022015). Collection method: clinical testing. Allele origin: germline.
Comment: This sequence change replaces arginine, which is basic and polar, with histidine, which is basic and polar, at codon 67 of the HYAL1 protein (p.Arg67His). This variant is present in population databases (rs782491043, gnomAD 0.003%). This variant has not been reported in the literature in individuals affected with HYAL1-related conditions. ClinVar contains an entry for this variant (Variation ID: 1018908). An algorithm developed to predict the effect of missense changes on protein structure and function outputs the following: PolyPhen-2: "Benign". The histidine amino acid residue is found in multiple mammalian species, which suggests that this missense change does not adversely affect protein function. In summary, the available evidence is currently insufficient to determine the role of this variant in disease. Therefore, it has been classified as a Variant of Uncertain Significance.

Natera, Inc.
Classification: Uncertain significance for Mucopolysaccharidosis type IX. Last evaluated: 2020-06-14. Review status: no assertion criteria provided. Collection method: clinical testing. Allele origin: germline. Not counted in ClinVar's aggregate classification.

NM_033159.4(HYAL1):c.200G>A (p.Arg67His)

Gene: HYAL1 (hyaluronidase 1; minus strand). Cytogenetic location: 3p21.31.
Variant type: single nucleotide variant.
Coding change: c.200G>A on transcript NM_033159.4 (MANE Select); coding-DNA position 200, G replaced by A.
Protein change: p.Arg67His; replaces arginine 67 with histidine.
Molecular consequence: missense variant. On other transcripts: non-coding transcript variant (1), intron variant (2).
Genome position (GRCh38, 1-based): chr3:50,302,757, C>T on the plus strand (G>A on the coding strand, the complement: HYAL1 is on the minus strand). VCF-style: chr3-50302757-C-T. GRCh37 (hg19) VCF-style: chr3-50340188-C-T.
Other names: c.200G>A, p.Arg67His (NM_153281.2, NM_153282.3); c.-26-552G>A (NM_153285.3); c.-213-134G>A (NM_153283.3); short protein forms R67H.
Identifiers: ClinVar variation 1018908 (VCV001018908.9), dbSNP rs782491043, ClinGen allele CA2415995.